The following is an entry in ClinVar:

ClinVar aggregate classification (germline): Conflicting classifications of pathogenicity. Review status: criteria provided, conflicting classifications (1 of 4 stars). 2 submissions from 2 submitters: Uncertain significance (1); Likely benign (1). Last evaluated 2026-01-27.

Conditions:
Distal myopathy with posterior leg and anterior hand involvement. Also called: WILLIAMS DISTAL MYOPATHY. Identifiers: Orphanet 63273, MedGen C3279722, MONDO:0013550, OMIM 614065.
Myofibrillar myopathy 5. Also called: FILAMINOPATHY, AUTOSOMAL DOMINANT; Filaminopathy (type). Identifiers: Orphanet 171445, MedGen C1836050, MONDO:0012289, OMIM 609524.
Hypertrophic cardiomyopathy 26. Also called: Cardiomyopathy, familial hypertrophic, 26. Identifiers: Orphanet 75249, MedGen C4310749, MONDO:0014883, OMIM 617047.
Cardiovascular phenotype. Identifiers: MedGen CN230736.

Allele frequency attached by ClinVar (database versions not stated): TOPMed below 0.00001; gnomAD 0.00001.
gnomAD v4.1: 7 of 1,613,180 alleles (0.00043%); highest among the groups gnomAD compares: Non-Finnish European, 0.000085%; no homozygotes.

Submissions (2):

Labcorp Genetics (formerly Invitae), Labcorp
Classification: Likely benign for Distal myopathy with posterior leg and anterior hand involvement; Myofibrillar myopathy 5; Hypertrophic cardiomyopathy 26. Last evaluated: 2026-01-27. Review status: criteria provided, single submitter. Criteria: Invitae Variant Classification Sherloc (09022015). Collection method: clinical testing. Allele origin: germline.

Ambry Genetics
Classification: Uncertain significance for Cardiovascular phenotype. Last evaluated: 2024-12-21. Review status: criteria provided, single submitter. Criteria: Ambry Variant Classification Scheme 2023. Collection method: clinical testing. Allele origin: germline.
Comment: The p.T2184S variant (also known as c.6551C>G), located in coding exon 40 of the FLNC gene, results from a C to G substitution at nucleotide position 6551. The threonine at codon 2184 is replaced by serine, an amino acid with similar properties. This amino acid position is conserved. In addition, the in silico prediction for this alteration is inconclusive. Based on the available evidence, the clinical significance of this variant remains unclear.

NM_001458.5(FLNC):c.6551C>G (p.Thr2184Ser)

Genes: FLNC (filamin C; plus strand), FLNC-AS1 (FLNC antisense RNA 1; minus strand). Cytogenetic location: 7q32.1.
Variant type: single nucleotide variant.
Coding change: c.6551C>G on transcript NM_001458.5 (MANE Select); coding-DNA position 6551, C replaced by G.
Protein change: p.Thr2184Ser; replaces threonine 2184 with serine.
Molecular consequence: missense variant.
Genome position (GRCh38, 1-based): chr7:128,854,040, C>G. VCF-style: chr7-128854040-C-G. GRCh37 (hg19) VCF-style: chr7-128494094-C-G.
Other names: c.6452C>G, p.Thr2151Ser (NM_001127487.2); short protein forms T2184S, T2151S.
Identifiers: ClinVar variation 643027 (VCV000643027.8), dbSNP rs772588219, ClinGen allele CA4476014.